The following is an entry in ClinVar:

NM_002473.6(MYH9):c.4357G>A (p.Glu1453Lys)

Gene: MYH9 (myosin heavy chain 9; minus strand). Cytogenetic location: 22q12.3.
Variant type: single nucleotide variant.
Coding change: c.4357G>A on transcript NM_002473.6 (MANE Select); coding-DNA position 4357, G replaced by A.
Protein change: p.Glu1453Lys; replaces glutamic acid 1453 with lysine.
Molecular consequence: missense variant.
Genome position (GRCh38, 1-based): chr22:36,289,285, C>T on the plus strand (G>A on the coding strand, the complement: MYH9 is on the minus strand). VCF-style: chr22-36289285-C-T. GRCh37 (hg19) VCF-style: chr22-36685331-C-T.
Other names: short protein forms E1453K.
Identifiers: ClinVar variation 2844594 (VCV002844594.3), dbSNP rs781047584, ClinGen allele CA411380835.

ClinVar aggregate classification (germline): Uncertain significance (1 of 4 stars; one submission).

Submission:

Labcorp Genetics (formerly Invitae), Labcorp
Classification: Uncertain significance. Last evaluated: 2023-03-23. Review status: criteria provided, single submitter. Criteria: Invitae Variant Classification Sherloc (09022015). Collection method: clinical testing. Allele origin: germline.
Comment: This sequence change replaces glutamic acid, which is acidic and polar, with lysine, which is basic and polar, at codon 1453 of the MYH9 protein (p.Glu1453Lys). This variant is not present in population databases (gnomAD no frequency). This variant has not been reported in the literature in individuals affected with MYH9-related conditions. Advanced modeling of protein sequence and biophysical properties (such as structural, functional, and spatial information, amino acid conservation, physicochemical variation, residue mobility, and thermodynamic stability) has been performed at Invitae for this missense variant, however the output from this modeling did not meet the statistical confidence thresholds required to predict the impact of this variant on MYH9 protein function. In summary, the available evidence is currently insufficient to determine the role of this variant in disease. Therefore, it has been classified as a Variant of Uncertain Significance.